The following is an entry in ClinVar:

ClinVar aggregate classification (germline): Uncertain significance (1 of 4 stars; one submission).

Conditions:
Developmental and epileptic encephalopathy, 53. Also called: Epileptic encephalopathy, early infantile, 53. Identifiers: MedGen C4479313, MONDO:0033362, OMIM 617389.
Early-onset Parkinson disease 20. Also called: PARKINSON DISEASE 20, AUTOSOMAL RECESSIVE EARLY-ONSET. Identifiers: Orphanet 391411, MedGen C3809824, MONDO:0014233, OMIM 615530.

gnomAD v4.1: 14 of 1,613,936 alleles (0.00087%); highest among the groups gnomAD compares: Non-Finnish European, 0.0012%; no homozygotes.

Submission:

Labcorp Genetics (formerly Invitae), Labcorp
Classification: Uncertain significance for Developmental and epileptic encephalopathy, 53; Early-onset Parkinson disease 20. Last evaluated: 2022-10-17. Review status: criteria provided, single submitter. Criteria: Invitae Variant Classification Sherloc (09022015). Collection method: clinical testing. Allele origin: germline.
Comment: This variant is present in population databases (rs377350366, gnomAD 0.003%). In summary, the available evidence is currently insufficient to determine the role of this variant in disease. Therefore, it has been classified as a Variant of Uncertain Significance. Algorithms developed to predict the effect of sequence changes on RNA splicing suggest that this variant may create or strengthen a splice site. Advanced modeling of protein sequence and biophysical properties (such as structural, functional, and spatial information, amino acid conservation, physicochemical variation, residue mobility, and thermodynamic stability) performed at Invitae indicates that this missense variant is not expected to disrupt SYNJ1 protein function. This variant has not been reported in the literature in individuals affected with SYNJ1-related conditions. This sequence change replaces valine, which is neutral and non-polar, with leucine, which is neutral and non-polar, at codon 902 of the SYNJ1 protein (p.Val902Leu).

NM_203446.3(SYNJ1):c.2587G>C (p.Val863Leu)

Gene: SYNJ1 (synaptojanin 1; minus strand). Cytogenetic location: 21q22.11.
Variant type: single nucleotide variant.
Coding change: c.2587G>C on transcript NM_203446.3 (MANE Select); coding-DNA position 2587, G replaced by C.
Protein change: p.Val863Leu; replaces valine 863 with leucine.
Molecular consequence: missense variant.
Genome position (GRCh38, 1-based): chr21:32,656,895, C>G on the plus strand (G>C on the coding strand, the complement: SYNJ1 is on the minus strand). VCF-style: chr21-32656895-C-G. GRCh37 (hg19) VCF-style: chr21-34029205-C-G.
Other names: c.2587G>C, p.Val863Leu (NM_001160302.2); c.2572G>C, p.Val858Leu (NM_001160306.2); c.2704G>C, p.Val902Leu (NM_003895.4); short protein forms V858L, V863L, V902L.
Identifiers: ClinVar variation 2182945 (VCV002182945.3), dbSNP rs377350366, ClinGen allele CA10003619.
Genomic context (GRCh38, chr21:32,656,895, plus strand): 5'-TATAAATGTTTTGCCTCTCTTCAGCTTCAACTTCAAATATATCTATATCAATCAGGGCAA[C>G]GACAGGCCTTAAGGCATAAAGGAAGATAGATGTATTAGAAATGTTTTTAAAAGGGTGTAT-3'
Protein context (NP_982271.3, residues 853-873): ELKTSDHRPV[Val863Leu]ALIDIDIFEV